The following is an entry in ClinVar:

ClinVar aggregate classification (germline): Likely benign. Review status: criteria provided, multiple submitters, no conflicts (2 of 4 stars). 3 submissions from 3 submitters: Likely benign (3). Last evaluated 2025-08-07.

Allele frequency attached by ClinVar (database versions not stated): 1000 Genomes Project 0.00160; 1000 Genomes Project 30x 0.00172; ExAC 0.00201; gnomAD exomes 0.00217; TOPMed 0.00245; gnomAD 0.00274 and 0.00287; ESP Exome Variant Server 0.00292.
gnomAD v4.1: 5,113 of 1,614,002 alleles (0.32%); highest among the groups gnomAD compares: Non-Finnish European, 0.4%; 5 homozygotes.

Submissions (3):

Labcorp Genetics (formerly Invitae), Labcorp
Classification: Likely benign. Last evaluated: 2025-08-07. Review status: criteria provided, single submitter. Criteria: Invitae Variant Classification Sherloc (09022015). Collection method: clinical testing. Allele origin: germline.

CeGaT Center for Human Genetics Tuebingen
Classification: Likely benign. Last evaluated: 2024-02-01. Review status: criteria provided, single submitter. Criteria: CeGaT Center For Human Genetics Tuebingen Variant Classification Criteria Version 2. Collection method: clinical testing. Allele origin: germline. Affected: yes. Observed: 1 variant allele.
Comment: CELSR2: BP4

Breakthrough Genomics
Classification: Likely benign. Review status: criteria provided, single submitter. Criteria: ACMG Guidelines, 2015. Collection method: not provided. Allele origin: germline. Inheritance: Unknown mechanism. Affected: yes.

NM_001408.3(CELSR2):c.7649G>A (p.Arg2550Gln)

Gene: CELSR2 (cadherin EGF LAG seven-pass G-type receptor 2; plus strand). Cytogenetic location: 1p13.3.
Variant type: single nucleotide variant.
Coding change: c.7649G>A on transcript NM_001408.3 (MANE Select); coding-DNA position 7649, G replaced by A.
Protein change: p.Arg2550Gln; replaces arginine 2550 with glutamine.
Molecular consequence: missense variant.
Genome position (GRCh38, 1-based): chr1:109,271,269, G>A. VCF-style: chr1-109271269-G-A. GRCh37 (hg19) VCF-style: chr1-109813891-G-A.
Other names: short protein forms R2550Q.
Identifiers: ClinVar variation 774799 (VCV000774799.31), dbSNP rs628525, ClinGen allele CA988320.